The following is an entry in ClinVar:

NM_005263.5(GFI1):c.93T>A (p.Asn31Lys)

Gene: GFI1 (growth factor independent 1 transcriptional repressor; minus strand). Cytogenetic location: 1p22.1.
Variant type: single nucleotide variant.
Coding change: c.93T>A on transcript NM_005263.5 (MANE Select); coding-DNA position 93, T replaced by A.
Protein change: p.Asn31Lys; replaces asparagine 31 with lysine.
Molecular consequence: missense variant.
Genome position (GRCh38, 1-based): chr1:92,483,395, A>T on the plus strand (T>A on the coding strand, the complement: GFI1 is on the minus strand). VCF-style: chr1-92483395-A-T. GRCh37 (hg19) VCF-style: chr1-92948952-A-T.
Other names: c.93T>A, p.Asn31Lys (NM_001127215.3, NM_001127216.3); short protein forms N31K.
Identifiers: ClinVar variation 3853722 (VCV003853722.1).
Genomic context (GRCh38, chr1:92,483,395, plus strand): 5'-GGGGGAGCAGCCCCGCCTGGCCCGCGCGCGCCTCGCACCTGCTCGGCTAGGCGCCGGTAC[A>T]TTCTCTAAACGGAGGGAATAGTCTGGTCCTGGGGAGCGCGGCTGGTGGTAGCTGTGAGCC-3'
Protein context (NP_005254.2, residues 21-41): PGPDYSLRLE[Asn31Lys]VPAPSRADST

ClinVar aggregate classification (germline): Uncertain significance (1 of 4 stars; one submission).

gnomAD v4.1: 1 of 1,611,188 alleles (0.000062%); highest among the groups gnomAD compares: Non-Finnish European, 0.000085%; no homozygotes.

Submission:

Ambry Genetics
Classification: Uncertain significance. Last evaluated: 2025-02-15. Review status: criteria provided, single submitter. Criteria: Ambry Variant Classification Scheme 2023. Collection method: clinical testing. Allele origin: germline.
Comment: The p.N31K variant (also known as c.93T>A), located in coding exon 1 of the GFI1 gene, results from a T to A substitution at nucleotide position 93. The asparagine at codon 31 is replaced by lysine, an amino acid with similar properties. This amino acid position is conserved. In addition, this alteration is predicted to be tolerated by in silico analysis. Based on the available evidence, the clinical significance of this variant remains unclear.